The following is an entry in ClinVar:

NM_021831.6(AGBL5):c.91G>C (p.Asp31His)

Gene: AGBL5 (AGBL carboxypeptidase 5; plus strand). Cytogenetic location: 2p23.3.
Variant type: single nucleotide variant.
Coding change: c.91G>C on transcript NM_021831.6 (MANE Select); coding-DNA position 91, G replaced by C.
Protein change: p.Asp31His; replaces aspartic acid 31 with histidine.
Molecular consequence: missense variant. On other transcripts: non-coding transcript variant (2).
Genome position (GRCh38, 1-based): chr2:27,053,049, G>C. VCF-style: chr2-27053049-G-C. GRCh37 (hg19) VCF-style: chr2-27275917-G-C.
Other names: c.91G>C, p.Asp31His (NM_001035507.3); short protein forms D31H.
Identifiers: ClinVar variation 1502550 (VCV001502550.8), dbSNP rs1284161656, ClinGen allele CA346167278.

ClinVar aggregate classification (germline): Uncertain significance. Review status: criteria provided, multiple submitters, no conflicts (2 of 4 stars). 3 submissions from 3 submitters: Uncertain significance (2). 1 of the submissions does not count toward it. Last evaluated 2026-01-26.

Conditions:
Retinal dystrophy. Also called: Inherited retinal dystrophy. Identifiers: Orphanet 71862, MedGen C0854723, MeSH D058499, MONDO:0019118, HP:0000556.

Allele frequency attached by ClinVar (database versions not stated): gnomAD exomes 0.00001; gnomAD 0.00003; TOPMed 0.00004.
gnomAD v4.1: 12 of 1,613,786 alleles (0.00074%); highest among the groups gnomAD compares: Non-Finnish European, 0.001%; no homozygotes.

Submissions (3):

Labcorp Genetics (formerly Invitae), Labcorp
Classification: Uncertain significance. Last evaluated: 2026-01-26. Review status: criteria provided, single submitter. Criteria: Invitae Variant Classification Sherloc (09022015). Collection method: clinical testing. Allele origin: germline.
Comment: This sequence change replaces aspartic acid, which is acidic and polar, with histidine, which is basic and polar, at codon 31 of the AGBL5 protein (p.Asp31His). This variant is present in population databases (no rsID available, gnomAD 0.003%). This variant has not been reported in the literature in individuals affected with AGBL5-related conditions. ClinVar contains an entry for this variant (Variation ID: 1502550). An algorithm developed to predict the effect of missense changes on protein structure and function (PolyPhen-2) suggests that this variant is likely to be tolerated. In summary, the available evidence is currently insufficient to determine the role of this variant in disease. Therefore, it has been classified as a Variant of Uncertain Significance.

Blueprint Genetics
Classification: Uncertain significance. Last evaluated: 2020-10-20. Review status: criteria provided, single submitter. Criteria: ACMG Guidelines, 2015. Collection method: clinical testing. Allele origin: germline.

Institute of Human Genetics, Univ. Regensburg, Univ. Regensburg
Classification: Uncertain significance for Retinal dystrophy. Last evaluated: 2023-01-01. Review status: no assertion criteria provided. Criteria: ACMG Guidelines, 2015. Collection method: clinical testing. Allele origin: germline. Affected: yes. Not counted in ClinVar's aggregate classification.